The following is an entry in ClinVar:

ClinVar aggregate classification (germline): Likely benign (1 of 4 stars; one submission).

Submission:

CeGaT Center for Human Genetics Tuebingen
Classification: Likely benign. Last evaluated: 2023-03-01. Review status: criteria provided, single submitter. Criteria: CeGaT Center For Human Genetics Tuebingen Variant Classification Criteria Version 2. Collection method: clinical testing. Allele origin: germline. Affected: yes. Observed: 1 variant allele.
Comment: AHNAK2: BP4, BP7

NM_138420.4(AHNAK2):c.10363C>T (p.Leu3455=)

Gene: AHNAK2 (AHNAK nucleoprotein 2; minus strand). Cytogenetic location: 14q32.33.
Variant type: single nucleotide variant.
Coding change: c.10363C>T on transcript NM_138420.4 (MANE Select); coding-DNA position 10363, C replaced by T.
Protein change: p.Leu3455=; no amino-acid change (leucine 3455 retained).
Molecular consequence: synonymous variant.
Genome position (GRCh38, 1-based): chr14:104,945,088, G>A on the plus strand (C>T on the coding strand, the complement: AHNAK2 is on the minus strand). VCF-style: chr14-104945088-G-A. GRCh37 (hg19) VCF-style: chr14-105411425-G-A.
Other names: c.10063C>T, p.Leu3355= (NM_001350929.2).
Identifiers: ClinVar variation 2644673 (VCV002644673.24), dbSNP rs1898188364, ClinGen allele CA488724795.
Genomic context (GRCh38, chr14:104,945,088, plus strand): 5'-TTTTGAACTTGCTGTCTTTGGCAGTCACATCCTTTTCAGCCAGGGACAGGTCCCCCTCCA[G>A]CCGCGCACCATCCAGCTTGGCTCTCGGGGCCTGGACGTCCACCTCCACGCTGGGCAGAGA-3'
Protein context (NP_612429.2, residues 3445-3465): APRAKLDGAR[Leu3455=]EGDLSLAEKD